The following is an entry in ClinVar:

NM_000260.4(MYO7A):c.2786T>A (p.Met929Lys)

Gene: MYO7A (myosin VIIA; plus strand). Cytogenetic location: 11q13.5.
Variant type: single nucleotide variant.
Coding change: c.2786T>A on transcript NM_000260.4 (MANE Select); coding-DNA position 2786, T replaced by A.
Protein change: p.Met929Lys; replaces methionine 929 with lysine.
Molecular consequence: missense variant.
Genome position (GRCh38, 1-based): chr11:77,181,471, T>A. VCF-style: chr11-77181471-T-A. GRCh37 (hg19) VCF-style: chr11-76892517-T-A.
Other names: c.2786T>A, p.Met929Lys (NM_001127180.2); c.2753T>A, p.Met918Lys (NM_001369365.1); short protein forms M929K, M918K.
Identifiers: ClinVar variation 1390522 (VCV001390522.4), dbSNP rs1955177590, ClinGen allele CA381942883.

ClinVar aggregate classification (germline): Uncertain significance (1 of 4 stars; one submission).

gnomAD v4.1: 1 of 1,612,254 alleles (0.000062%); highest among the groups gnomAD compares: African/African-American, 0.0013%; no homozygotes.

Submission:

Labcorp Genetics (formerly Invitae), Labcorp
Classification: Uncertain significance. Last evaluated: 2025-07-07. Review status: criteria provided, single submitter. Criteria: Invitae Variant Classification Sherloc (09022015). Collection method: clinical testing. Allele origin: germline.
Comment: This sequence change replaces methionine, which is neutral and non-polar, with lysine, which is basic and polar, at codon 929 of the MYO7A protein (p.Met929Lys). This variant is not present in population databases (gnomAD no frequency). This variant has not been reported in the literature in individuals affected with MYO7A-related conditions. ClinVar contains an entry for this variant (Variation ID: 1390522). Invitae Evidence Modeling of protein sequence and biophysical properties (such as structural, functional, and spatial information, amino acid conservation, physicochemical variation, residue mobility, and thermodynamic stability) indicates that this missense variant is not expected to disrupt MYO7A protein function with a negative predictive value of 95%. In summary, the available evidence is currently insufficient to determine the role of this variant in disease. Therefore, it has been classified as a Variant of Uncertain Significance.